The following is an entry in ClinVar:

ClinVar aggregate classification (germline): Benign/Likely benign. Review status: criteria provided, multiple submitters, no conflicts (2 of 4 stars). 8 submissions from 8 submitters: Benign (7); Likely benign (1). Last evaluated 2026-01-23.

Conditions:
Autoinflammatory syndrome. Identifiers: Orphanet 93665, MedGen C3890737, MONDO:0019751.
Majeed syndrome (MJDS). Also called: CHRONIC RECURRENT MULTIFOCAL OSTEOMYELITIS 1, WITH CONGENITAL DYSERYTHROPOIETIC ANEMIA, WITH OR WITHOUT NEUTROPHILIC DERMATOSIS; LPIN2-Related Majeed Syndrome. Identifiers: Orphanet 77297, MedGen C1864997, MONDO:0012316, OMIM 609628.

Allele frequency attached by ClinVar (database versions not stated): gnomAD exomes 0.00061 and 0.00175; ExAC 0.00213; gnomAD 0.00662 and 0.00707; ESP Exome Variant Server 0.00715; TOPMed 0.00727; 1000 Genomes Project 30x 0.00734; 1000 Genomes Project 0.00739.
gnomAD v4.1: 1,939 of 1,613,958 alleles (0.12%); highest among the groups gnomAD compares: African/African-American, 2.3%; 24 homozygotes.

Submissions (8):

Women's Health and Genetics/Laboratory Corporation of America, LabCorp
Classification: Benign. Last evaluated: 2026-01-23. Review status: criteria provided, single submitter. Criteria: LabCorp Variant Classification Summary - May 2015. Collection method: clinical testing. Allele origin: germline.

Labcorp Genetics (formerly Invitae), Labcorp
Classification: Benign for Majeed syndrome. Last evaluated: 2026-01-16. Review status: criteria provided, single submitter. Criteria: Invitae Variant Classification Sherloc (09022015). Collection method: clinical testing. Allele origin: germline.

ARUP Laboratories, Molecular Genetics and Genomics, ARUP Laboratories
Classification: Benign for Majeed syndrome. Last evaluated: 2024-09-23. Review status: criteria provided, single submitter. Criteria: ARUP Molecular Germline Variant Investigation Process 2024. Collection method: clinical testing. Allele origin: germline.

Mayo Clinic Laboratories, Mayo Clinic
Classification: Benign. Last evaluated: 2022-11-08. Review status: criteria provided, single submitter. Criteria: ACMG Guidelines, 2015. Collection method: clinical testing. Allele origin: germline. Observed: 3 variant alleles.
Comment: BS1, BS2, BP4, BP7

Genome Diagnostics Laboratory, The Hospital for Sick Children
Classification: Likely benign for Autoinflammatory syndrome. Last evaluated: 2021-08-12. Review status: criteria provided, single submitter. Criteria: ACMG Guidelines, 2015. Collection method: clinical testing. Allele origin: germline. Affected: yes.

Illumina Laboratory Services, Illumina
Classification: Benign for Majeed syndrome. Last evaluated: 2018-01-13. Review status: criteria provided, single submitter. Criteria: ICSL Variant Classification Criteria 13 December 2019. Collection method: clinical testing. Allele origin: germline.
Comment: This variant was observed in the ICSL laboratory as part of a predisposition screen in an ostensibly healthy population. It had not been previously curated by ICSL or reported in the Human Gene Mutation Database (HGMD: prior to June 1st, 2018), and was therefore a candidate for classification through an automated scoring system. Utilizing variant allele frequency, disease prevalence and penetrance estimates, and inheritance mode, an automated score was calculated to assess if this variant is too frequent to cause the disease. Based on the score and internal cut-off values, a variant classified as benign is not then subjected to further curation. The score for this variant resulted in a classification of benign for this disease.

GeneDx
Classification: Benign. Last evaluated: 2013-03-28. Review status: criteria provided, single submitter. Criteria: GeneDx Variant Classification (06012015). Collection method: clinical testing. Allele origin: germline. Affected: yes.
Comment: This variant is considered likely benign or benign based on one or more of the following criteria: it is a conservative change, it occurs at a poorly conserved position in the protein, it is predicted to be benign by multiple in silico algorithms, and/or has population frequency not consistent with disease.

Breakthrough Genomics
Classification: Benign. Review status: criteria provided, single submitter. Criteria: ACMG Guidelines, 2015. Collection method: not provided. Allele origin: germline. Inheritance: Unknown mechanism. Affected: yes.

NM_001375808.2(LPIN2):c.147C>T (p.His49=)

Gene: LPIN2 (lipin 2; minus strand). Cytogenetic location: 18p11.31.
Variant type: single nucleotide variant.
Coding change: c.147C>T on transcript NM_001375808.2 (MANE Select); coding-DNA position 147, C replaced by T.
Protein change: p.His49=; no amino-acid change (histidine 49 retained).
Molecular consequence: synonymous variant.
Genome position (GRCh38, 1-based): chr18:2,960,694, G>A on the plus strand (C>T on the coding strand, the complement: LPIN2 is on the minus strand). VCF-style: chr18-2960694-G-A. GRCh37 (hg19) VCF-style: chr18-2960692-G-A.
Other names: p.H49H:CAC>CAT; p.His49=; c.147C>T, p.His49= (NM_001375809.1, NM_014646.2).
Identifiers: ClinVar variation 138128 (VCV000138128.29), dbSNP rs17886056, ClinGen allele CA291944.